The following is an entry in ClinVar:

ClinVar aggregate classification (germline): Uncertain significance. Review status: criteria provided, multiple submitters, no conflicts (2 of 4 stars). 3 submissions from 3 submitters: Uncertain significance (3). Last evaluated 2025-04-28.

Conditions:
Neuropathy, hereditary sensory and autonomic, type 2A (HSAN2A). Also called: HSAN IIA; MORVAN DISEASE; NEUROPATHY, CONGENITAL SENSORY; NEUROPATHY, HEREDITARY SENSORY RADICULAR, AUTOSOMAL RECESSIVE; NEUROPATHY, HEREDITARY SENSORY, TYPE IIA; NEUROPATHY, PROGRESSIVE SENSORY, OF CHILDREN. Identifiers: Orphanet 970, MedGen C2752089, MONDO:0024309, OMIM 201300.
Generalized epilepsy with febrile seizures plus, type 7 (GEFSP7). Also called: GEFS+, TYPE 7. Identifiers: Orphanet 36387, MedGen C2751778, MONDO:0013470, OMIM 613863.
Inborn genetic diseases. Identifiers: MedGen C0950123, MeSH D030342.

Allele frequency attached by ClinVar (database versions not stated): gnomAD exomes below 0.00001; gnomAD 0.00001; TOPMed 0.00001.
gnomAD v4.1: 3 of 1,613,894 alleles (0.00019%); highest among the groups gnomAD compares: Non-Finnish European, 0.00025%; no homozygotes.

Submissions (3):

Labcorp Genetics (formerly Invitae), Labcorp
Classification: Uncertain significance for Neuropathy, hereditary sensory and autonomic, type 2A; Generalized epilepsy with febrile seizures plus, type 7. Last evaluated: 2025-04-28. Review status: criteria provided, single submitter. Criteria: Invitae Variant Classification Sherloc (09022015). Collection method: clinical testing. Allele origin: germline.
Comment: This sequence change replaces proline, which is neutral and non-polar, with leucine, which is neutral and non-polar, at codon 609 of the SCN9A protein (p.Pro609Leu). This variant is not present in population databases (gnomAD no frequency). This variant has not been reported in the literature in individuals affected with SCN9A-related conditions. ClinVar contains an entry for this variant (Variation ID: 1022040). Invitae Evidence Modeling of protein sequence and biophysical properties (such as structural, functional, and spatial information, amino acid conservation, physicochemical variation, residue mobility, and thermodynamic stability) indicates that this missense variant is not expected to disrupt SCN9A protein function with a negative predictive value of 95%. In summary, the available evidence is currently insufficient to determine the role of this variant in disease. Therefore, it has been classified as a Variant of Uncertain Significance.

Ambry Genetics
Classification: Uncertain significance for Inborn genetic diseases. Last evaluated: 2025-04-17. Review status: criteria provided, single submitter. Criteria: Ambry Variant Classification Scheme 2023. Collection method: clinical testing. Allele origin: germline.

GeneDx
Classification: Uncertain significance. Last evaluated: 2019-08-16. Review status: criteria provided, single submitter. Criteria: GeneDx Variant Classification Process June 2021. Collection method: clinical testing. Allele origin: germline. Affected: yes.
Comment: Not observed in large population cohorts (Lek et al., 2016); In silico analysis, which includes protein predictors and evolutionary conservation, supports that this variant does not alter protein structure/function; Has not been previously published as pathogenic or benign to our knowledge

NM_001365536.1(SCN9A):c.1826C>T (p.Pro609Leu)

Genes: SCN1A-AS1 (SCN1A and SCN9A antisense RNA 1; plus strand), SCN9A (sodium voltage-gated channel alpha subunit 9; minus strand). Cytogenetic location: 2q24.3.
Variant type: single nucleotide variant.
Coding change: c.1826C>T on transcript NM_001365536.1 (MANE Select); coding-DNA position 1826, C replaced by T.
Protein change: p.Pro609Leu; replaces proline 609 with leucine.
Molecular consequence: missense variant.
Genome position (GRCh38, 1-based): chr2:166,284,601, G>A on the plus strand (C>T on the coding strand, the complement: SCN9A is on the minus strand). VCF-style: chr2-166284601-G-A. GRCh37 (hg19) VCF-style: chr2-167141111-G-A.
Other names: c.1826C>T, p.Pro609Leu (NM_002977.4); short protein forms P609L.
Identifiers: ClinVar variation 1022040 (VCV001022040.11), dbSNP rs1298846957, ClinGen allele CA349083067.